The following is an entry in ClinVar:

NM_000517.6(HBA2):c.60del (p.His21fs)

Genes: HBA2 (hemoglobin subunit alpha 2; plus strand), LOC106804612 (hemoglobin subunit alpha 2 recombination region; plus strand). Cytogenetic location: 16p13.3.
Variant type: Deletion.
Coding change: c.60del on transcript NM_000517.6 (MANE Select); coding-DNA position 60, one base deleted (G; older notation c.60delG).
Protein change: p.His21fs; shifts the reading frame from histidine 21.
Molecular consequence: frameshift variant.
Genome position (GRCh38, 1-based): chr16:172,972, G deleted. VCF-style (leftmost placement, unchanged base first): chr16-172971-CG-C. GRCh37 (hg19) VCF-style: chr16-222970-CG-C.
Other names: c.60delG (NM_000517.6, NM_000517.5); short protein forms H21fs.
Identifiers: ClinVar variation 280127 (VCV000280127.9), dbSNP rs886041399, ClinGen allele CA10603494.
Genomic context (GRCh38, chr16:172,971, plus strand): 5'-CCATGGTGCTGTCTCCTGCCGACAAGACCAACGTCAAGGCCGCCTGGGGTAAGGTCGGCG[CG>C]CACGCTGGCGAGTATGGTGCGGAGGCCCTGGAGAGGTGAGGCTCCCTCCCCTGCTCCGAC-3'

ClinVar aggregate classification (germline): Pathogenic. Review status: criteria provided, multiple submitters, no conflicts (2 of 4 stars). 5 submissions from 5 submitters: Pathogenic (5). Last evaluated 2025-09-15.

Conditions:
Erythrocytosis, familial, 7. Also called: ERYTHROCYTOSIS, ALPHA-GLOBIN TYPE; POLYCYTHEMIA, ALPHA-GLOBIN TYPE; ERYTHROCYTOSIS 7. Identifiers: MedGen C4693823, MONDO:0054802, OMIM 617981.
Heinz body anemia. Also called: Heinz body hemolytic anemia. Identifiers: Orphanet 178330, MedGen C0700299, MONDO:0007705, OMIM 140700, HP:0005511.
Hemoglobin H disease (HBH). Also called: Hemoglobin H (HbH) Disease; ALPHA-THALASSEMIA, HEMOGLOBIN H TYPE; HEMOGLOBIN H DISEASE, DELETIONAL. Identifiers: Orphanet 93616, MedGen C3161174, MONDO:0013512, OMIM 613978. Disease mechanism: loss of function.
alpha Thalassemia. Also called: Alpha thalassemia spectrum. Identifiers: Orphanet 846, MedGen C0002312, MONDO:0011399, OMIM 604131.

Allele frequency attached by ClinVar (database versions not stated): gnomAD exomes 0.00006.

Submissions (5):

Natera, Inc.
Classification: Pathogenic for Alpha thalassemia. Last evaluated: 2025-09-15. Review status: criteria provided, single submitter. Criteria: Natera Variant Classification Schema (03/2026). Collection method: clinical testing. Allele origin: germline.
Comment: The c.60delG variant in HBA2 is a frameshift variant predicted to shift the reading frame beginning at codon 21 and leads to a stop codon 29 codons downstream. This variant is expected to result in nonsense mediated decay, truncation, or a dysfunctional protein product. This variant is rare in the general population with a frequency below the threshold expected for the associated phenotype(s). This variant has been observed in at least one unaffected individual, with a zygosity that is consistent with the inheritance pattern for the associated condition (in gnomAD and/or literature). This variant has been observed in one or more individuals affected with the associated recessive disease, as either homozygous or compound heterozygous with a second variant (PMID: 29627922). Given the available evidence, this variant is classified as Pathogenic.

Fulgent Genetics
Classification: Pathogenic for Heinz body anemia; alpha Thalassemia; Hemoglobin H disease; Erythrocytosis, familial, 7. Last evaluated: 2023-12-28. Review status: criteria provided, single submitter. Criteria: ACMG Guidelines, 2015. Collection method: clinical testing. Allele origin: germline.

GeneDx
Classification: Pathogenic. Last evaluated: 2023-04-17. Review status: criteria provided, single submitter. Criteria: GeneDx Variant Classification Process June 2021. Collection method: clinical testing. Allele origin: germline. Affected: yes.
Comment: Frameshift variant predicted to result in protein truncation or nonsense mediated decay in a gene for which loss of function is a known mechanism of disease; This variant is associated with the following publications: (PMID: 16798638, 29627922, 22943743, 36567661, 14508795)

Quest Diagnostics Nichols Institute San Juan Capistrano
Classification: Pathogenic. Last evaluated: 2023-04-05. Review status: criteria provided, single submitter. Criteria: Quest Diagnostics criteria. Collection method: clinical testing. Allele origin: unknown.
Comment: The HBA2 c.60del (p.His21Thrfs*29) frameshift variant (also known as CD19(-G)) causes the premature termination of HBA2 protein synthesis. In addition, it has been reported in the published literature in several newborns with visibly elevated Hb Bart’s levels and is described to lead to an alpha-thalassemia phenotype (PMID: 14508795 (2003)). The variant was also reported in a heterozygous individual having an alpha+ thalassemia trait phenotype (PMID: 30830998 (2019)). Therefore, the variant is classified as pathogenic.

Laboratory for Molecular Medicine, Mass General Brigham Personalized Medicine
Classification: Pathogenic for alpha Thalassemia. Last evaluated: 2022-11-03. Review status: criteria provided, single submitter. Criteria: ACMG Guidelines, 2015. Collection method: clinical testing. Allele origin: germline.
Comment: The p.His21ThrfsX29 variant in the HBA2 has been reported in several individuals with alpha thalassemia,both in the homozygous state or in th ecompound heterozygous state in trans with another pathogenic variant (Harteveld 2003 PMID: 14508795, Keikhaei 2018 PMID: 29627922). It has also been reported in ClinVar (Variation ID 280127) and was absent from large population studies. This variant is predicted to cause a frameshift, which alters the protein’s amino acid sequence beginning at position 21 and leads to a premature termination codon 29 amino acids downstream. Loss of function of the HBA2 gene is an established disease mechanism in autosomal recessive alpha Thalassaemia. In summary, this variant meets criteria to be classified as pathogenic for autosomal recessive alpha thalassemia. ACMG/AMP Criteria applied: PVS1, PM2_supporting, PM3_Strong.

Literature cited by the submitters: PubMed 29627922 (cited by Natera, Inc.); PubMed 14508795 (cited by Quest Diagnostics Nichols Institute San Juan Capistrano); PubMed 22943743 (cited by Quest Diagnostics Nichols Institute San Juan Capistrano); PubMed 16798638 (cited by Quest Diagnostics Nichols Institute San Juan Capistrano); PubMed 30830998 (cited by Quest Diagnostics Nichols Institute San Juan Capistrano).